The following is an entry in ClinVar:

NM_024675.4(PALB2):c.1748T>C (p.Leu583Ser)

Gene: PALB2 (partner and localizer of BRCA2; minus strand). Cytogenetic location: 16p12.2.
Variant type: single nucleotide variant.
Coding change: c.1748T>C on transcript NM_024675.4 (MANE Select); coding-DNA position 1748, T replaced by C.
Protein change: p.Leu583Ser; replaces leucine 583 with serine.
Molecular consequence: missense variant.
Genome position (GRCh38, 1-based): chr16:23,630,406, A>G on the plus strand (T>C on the coding strand, the complement: PALB2 is on the minus strand). VCF-style: chr16-23630406-A-G. GRCh37 (hg19) VCF-style: chr16-23641727-A-G.
Other names: short protein forms L583S.
Identifiers: ClinVar variation 186581 (VCV000186581.65), dbSNP rs587782151, ClinGen allele CA195224.

ClinVar aggregate classification (germline): Conflicting classifications of pathogenicity. Review status: criteria provided, conflicting classifications (1 of 4 stars). 7 submissions from 7 submitters: Uncertain significance (6); Likely benign (1). Last evaluated 2025-12-28.

Conditions:
Breast-ovarian cancer, familial, susceptibility to, 5 (BROVCA5). Identifiers: MedGen C5830615, MONDO:0957530, OMIM 620442.
Fanconi anemia complementation group N. Also called: PALB2-Related Fanconi Anemia. Identifiers: Orphanet 84, MedGen C1835817, MONDO:0012565, OMIM 610832. Disease mechanism: loss of function.
Pancreatic cancer, susceptibility to, 3. Identifiers: Orphanet 1333, MedGen C3150547, MONDO:0013236, OMIM 613348.
Hereditary cancer-predisposing syndrome. Also called: Tumor predisposition; Neoplastic Syndromes, Hereditary; Hereditary Cancer Syndrome; Hereditary neoplastic syndrome. Identifiers: Orphanet 140162, MedGen C0027672, MeSH D009386, MONDO:0015356.
Familial cancer of breast. Also called: hereditary breast carcinoma; BREAST CANCER, FAMILIAL; Hereditary breast cancer. Identifiers: Orphanet 227535, MedGen C0346153, MONDO:0016419, OMIM 114480. Disease mechanism: loss of function.

Allele frequency attached by ClinVar (database versions not stated): TOPMed 0.00002.
gnomAD v4.1: 12 of 1,613,996 alleles (0.00074%); highest among the groups gnomAD compares: Non-Finnish European, 0.001%; no homozygotes.

Submissions (7):

Labcorp Genetics (formerly Invitae), Labcorp
Classification: Uncertain significance for Familial cancer of breast. Last evaluated: 2025-12-28. Review status: criteria provided, single submitter. Criteria: Invitae Variant Classification Sherloc (09022015). Collection method: clinical testing. Allele origin: germline.
Comment: This sequence change replaces leucine, which is neutral and non-polar, with serine, which is neutral and polar, at codon 583 of the PALB2 protein (p.Leu583Ser). This variant is present in population databases (rs587782151, gnomAD 0.0009%). This variant has not been reported in the literature in individuals affected with PALB2-related conditions. ClinVar contains an entry for this variant (Variation ID: 186581). Invitae Evidence Modeling of protein sequence and biophysical properties (such as structural, functional, and spatial information, amino acid conservation, physicochemical variation, residue mobility, and thermodynamic stability) indicates that this missense variant is not expected to disrupt PALB2 protein function with a negative predictive value of 80%. In summary, the available evidence is currently insufficient to determine the role of this variant in disease. Therefore, it has been classified as a Variant of Uncertain Significance.

Ambry Genetics
Classification: Likely benign for Hereditary cancer-predisposing syndrome. Last evaluated: 2025-04-21. Review status: criteria provided, single submitter. Criteria: Ambry Variant Classification Scheme 2023. Collection method: clinical testing. Allele origin: germline.

Center for Genomic Medicine, Rigshospitalet, Copenhagen University Hospital
Classification: Uncertain significance. Last evaluated: 2025-03-04. Review status: criteria provided, single submitter. Criteria: ACMG Guidelines, 2015. Collection method: clinical testing. Allele origin: germline.

Color Diagnostics, LLC DBA Color Health
Classification: Uncertain significance for Hereditary cancer-predisposing syndrome. Last evaluated: 2024-09-05. Review status: criteria provided, single submitter. Criteria: ACMG Guidelines, 2015. Collection method: clinical testing. Allele origin: germline.
Comment: This missense variant replaces leucine with serine at codon 583 of the PALB2 protein. Computational prediction suggests that this variant may not impact protein structure and function. To our knowledge, functional studies have not been reported for this variant. This variant has been detected in a breast cancer case-control meta-analysis in 3/60466 cases and 4/53461 unaffected individuals (PMID: 33471991; Leiden Open Variation Database DB-ID PALB2_010652). This variant has also been reported in 2/6385 cases and 1/6115 controls in an ovarian cancer case-control study (PMID: 32546565). This variant has been identified in 1/250554 chromosomes in the general population by the Genome Aggregation Database (gnomAD). The available evidence is insufficient to determine the role of this variant in disease conclusively. Therefore, this variant is classified as a Variant of Uncertain Significance.

Fulgent Genetics
Classification: Uncertain significance for Fanconi anemia complementation group N; Pancreatic cancer, susceptibility to, 3; Breast-ovarian cancer, familial, susceptibility to, 5. Last evaluated: 2024-01-23. Review status: criteria provided, single submitter. Criteria: ACMG Guidelines, 2015. Collection method: clinical testing. Allele origin: germline.

GeneDx
Classification: Uncertain significance. Last evaluated: 2023-01-03. Review status: criteria provided, single submitter. Criteria: GeneDx Variant Classification Process June 2021. Collection method: clinical testing. Allele origin: germline. Affected: yes.
Comment: Not observed at significant frequency in large population cohorts (gnomAD); In silico analysis supports that this missense variant does not alter protein structure/function; Has not been previously published as pathogenic or benign to our knowledge

CeGaT Center for Human Genetics Tuebingen
Classification: Uncertain significance. Last evaluated: 2019-03-01. Review status: criteria provided, single submitter. Criteria: CeGaT Center For Human Genetics Tuebingen Variant Classification Criteria Version 2. Collection method: clinical testing. Allele origin: germline. Affected: yes. Observed: 1 variant allele.

Literature cited by the submitters: PubMed 32546565 (cited by Color Diagnostics, LLC DBA Color Health); PubMed 33471991 (cited by Color Diagnostics, LLC DBA Color Health).